The following is an entry in ClinVar:

NM_015459.5(ATL3):c.1550A>C (p.His517Pro)

Genes: ATL3 (atlastin GTPase 3; minus strand), LNCROPM (lncRNA regulator of PLAAT3 mediated phospholipid metabolism; plus strand). Cytogenetic location: 11q13.1.
Variant type: single nucleotide variant.
Coding change: c.1550A>C on transcript NM_015459.5 (MANE Select); coding-DNA position 1550, A replaced by C.
Protein change: p.His517Pro; replaces histidine 517 with proline.
Molecular consequence: missense variant.
Genome position (GRCh38, 1-based): chr11:63,629,395, T>G on the plus strand (A>C on the coding strand, the complement: ATL3 is on the minus strand). VCF-style: chr11-63629395-T-G. GRCh37 (hg19) VCF-style: chr11-63396867-T-G.
Other names: c.1496A>C, p.His499Pro (NM_001290048.2); c.1499A>C, p.His500Pro (NM_001440716.1); c.1493A>C, p.His498Pro (NM_001440717.1); c.1478A>C, p.His493Pro (NM_001440718.1); c.1445A>C, p.His482Pro (NM_001440719.1); c.1439A>C, p.His480Pro (NM_001440720.1); c.1394A>C, p.His465Pro (NM_001440721.1); c.1337A>C, p.His446Pro (NM_001440722.1); short protein forms H446P, H482P, H499P, H500P, H465P, H480P, H493P, H498P.
Identifiers: ClinVar variation 4781468 (VCV004781468.1).
Genomic context (GRCh38, chr11:63,629,395, plus strand): 5'-TCCATGGATGGTCTTCCAACAACTGCATCCCTCACAGTGGCCTGAGTGGAATTACCGATA[T>G]GAGAAGAAGCCTGCAAAAGTCCATTTATTCAACATATAAGTTAATAAAATACAACACAGC-3'
Protein context (NP_056274.3, residues 507-527): AAYVLEQASS[His517Pro]IGNSTQATVR

ClinVar aggregate classification (germline): Uncertain significance (1 of 4 stars; one submission).

Conditions:
Neuropathy, hereditary sensory, type 1F. Also called: HSN IF; Hereditary sensory neuropathy type IF. Identifiers: Orphanet 36386, MedGen C3810194, MONDO:0014286, OMIM 615632.

gnomAD v4.1: 7 of 1,614,094 alleles (0.00043%); highest among the groups gnomAD compares: East Asian, 0.016%; no homozygotes.

Submission:

Labcorp Genetics (formerly Invitae), Labcorp
Classification: Uncertain significance for Neuropathy, hereditary sensory, type 1F. Last evaluated: 2025-05-27. Review status: criteria provided, single submitter. Criteria: Invitae Variant Classification Sherloc (09022015). Collection method: clinical testing. Allele origin: germline.
Comment: This sequence change replaces histidine, which is basic and polar, with proline, which is neutral and non-polar, at codon 517 of the ATL3 protein (p.His517Pro). This variant is present in population databases (rs142132706, gnomAD 0.06%). This variant has not been reported in the literature in individuals affected with ATL3-related conditions. An algorithm developed to predict the effect of missense changes on protein structure and function (PolyPhen-2) suggests that this variant is likely to be tolerated. In summary, the available evidence is currently insufficient to determine the role of this variant in disease. Therefore, it has been classified as a Variant of Uncertain Significance.